The following is an entry in ClinVar:

ClinVar aggregate classification (germline): Pathogenic/Likely pathogenic. Review status: criteria provided, multiple submitters, no conflicts (2 of 4 stars). 3 submissions from 3 submitters: Pathogenic (2); Likely pathogenic (1). Last evaluated 2025-06-10.

Conditions:
Lissencephaly 8 (LIS8). Identifiers: MedGen C4310646, MONDO:0014992, OMIM 617255.

Allele frequency attached by ClinVar (database versions not stated): gnomAD 0.00001; TOPMed 0.00006.
gnomAD v4.1: 9 of 1,613,698 alleles (0.00056%); highest among the groups gnomAD compares: African/African-American, 0.004%; no homozygotes.

Submissions (3):

Women's Health and Genetics/Laboratory Corporation of America, LabCorp
Classification: Pathogenic for Lissencephaly 8. Last evaluated: 2025-06-10. Review status: criteria provided, single submitter. Criteria: LabCorp Variant Classification Summary - May 2015. Collection method: clinical testing. Allele origin: germline.
Comment: Variant summary: TMTC3 c.955C>T (p.Arg319X) results in a premature termination codon, predicted to cause a truncation of the encoded protein or absence of the protein due to nonsense mediated decay, which are commonly known mechanisms for disease. The variant allele was found at a frequency of 1.6e-05 in 251258 control chromosomes. To our knowledge, no occurrence of c.955C>T in individuals affected with Lissencephaly 8 and no experimental evidence demonstrating its impact on protein function have been reported. ClinVar contains an entry for this variant (Variation ID: 488948). Based on the evidence outlined above, the variant was classified as pathogenic.

Labcorp Genetics (formerly Invitae), Labcorp
Classification: Pathogenic. Last evaluated: 2025-02-22. Review status: criteria provided, single submitter. Criteria: Invitae Variant Classification Sherloc (09022015). Collection method: clinical testing. Allele origin: germline.
Comment: This sequence change creates a premature translational stop signal (p.Arg319*) in the TMTC3 gene. It is expected to result in an absent or disrupted protein product. Loss-of-function variants in TMTC3 are known to be pathogenic (PMID: 27773428, 28973161). This variant is present in population databases (no rsID available, gnomAD 0.01%). This variant has not been reported in the literature in individuals affected with TMTC3-related conditions. ClinVar contains an entry for this variant (Variation ID: 488948). For these reasons, this variant has been classified as Pathogenic.

GeneDx
Classification: Likely pathogenic. Last evaluated: 2024-02-14. Review status: criteria provided, single submitter. Criteria: GeneDx Variant Classification Process June 2021. Collection method: clinical testing. Allele origin: germline. Affected: yes.
Comment: Nonsense variant predicted to result in protein truncation or nonsense mediated decay in a gene for which loss of function is a known mechanism of disease; Not observed at significant frequency in large population cohorts (gnomAD); Has not been previously published as pathogenic or benign to our knowledge

Literature cited by the submitters: PubMed 27773428 (cited by Labcorp Genetics (formerly Invitae), Labcorp); PubMed 28973161 (cited by Labcorp Genetics (formerly Invitae), Labcorp).

NM_181783.4(TMTC3):c.955C>T (p.Arg319Ter)

Gene: TMTC3 (transmembrane O-mannosyltransferase targeting cadherins 3; plus strand). Cytogenetic location: 12q21.32.
Variant type: single nucleotide variant.
Coding change: c.955C>T on transcript NM_181783.4 (MANE Select); coding-DNA position 955, C replaced by T.
Protein change: p.Arg319Ter; replaces arginine 319 with a stop codon.
Molecular consequence: nonsense. On other transcripts: non-coding transcript variant (1).
Genome position (GRCh38, 1-based): chr12:88,166,487, C>T. VCF-style: chr12-88166487-C-T. GRCh37 (hg19) VCF-style: chr12-88560264-C-T.
Other names: c.775C>T, p.Arg259Ter (NM_001366574.1); c.736C>T, p.Arg246Ter (NM_001366579.1); c.688C>T, p.Arg230Ter (NM_001366580.1); c.262C>T, p.Arg88Ter (NM_001366583.1); short protein forms R319*, R246*, R259*, R230*, R88*.
Identifiers: ClinVar variation 488948 (VCV000488948.5), dbSNP rs768546704, ClinGen allele CA241187375.
Genomic context (GRCh38, chr12:88,166,487, plus strand): 5'-GAGCTCTGCTGTGATTGGACCATGGGAACAATACCACTTATAGAGTCATTACTAGATATT[C>T]GAAATCTGGCCACATTTACTTTCTTTTGTTTTCTGGGGATGTTGGGAGTATTCAGTATCA-3'